The following is an entry in ClinVar:

ClinVar aggregate classification (germline): Uncertain significance (1 of 4 stars; one submission).

Submission:

Labcorp Genetics (formerly Invitae), Labcorp
Classification: Uncertain significance. Last evaluated: 2021-11-29. Review status: criteria provided, single submitter. Criteria: Invitae Variant Classification Sherloc (09022015). Collection method: clinical testing. Allele origin: germline.
Comment: This sequence change replaces leucine, which is neutral and non-polar, with phenylalanine, which is neutral and non-polar, at codon 249 of the SPEG protein (p.Leu249Phe). This variant is not present in population databases (gnomAD no frequency). This variant has not been reported in the literature in individuals affected with SPEG-related conditions. Algorithms developed to predict the effect of missense changes on protein structure and function are either unavailable or do not agree on the potential impact of this missense change (SIFT: "Deleterious"; PolyPhen-2: "Possibly Damaging"; Align-GVGD: "Class C0"). In summary, the available evidence is currently insufficient to determine the role of this variant in disease. Therefore, it has been classified as a Variant of Uncertain Significance.

NM_005876.5(SPEG):c.745C>T (p.Leu249Phe)

Gene: SPEG (striated muscle enriched protein kinase; plus strand). Cytogenetic location: 2q35.
Variant type: single nucleotide variant.
Coding change: c.745C>T on transcript NM_005876.5 (MANE Select); coding-DNA position 745, C replaced by T.
Protein change: p.Leu249Phe; replaces leucine 249 with phenylalanine.
Molecular consequence: missense variant.
Genome position (GRCh38, 1-based): chr2:219,445,091, C>T. VCF-style: chr2-219445091-C-T. GRCh37 (hg19) VCF-style: chr2-220309813-C-T.
Other names: short protein forms L249F.
Identifiers: ClinVar variation 1903528 (VCV001903528.4), dbSNP rs2545410570, ClinGen allele CA350712776.